The following is an entry in ClinVar:

NM_024577.4(SH3TC2):c.450G>C (p.Leu150Phe)

Gene: SH3TC2 (SH3 domain and tetratricopeptide repeats 2; minus strand). Cytogenetic location: 5q32.
Variant type: single nucleotide variant.
Coding change: c.450G>C on transcript NM_024577.4 (MANE Select); coding-DNA position 450, G replaced by C.
Protein change: p.Leu150Phe; replaces leucine 150 with phenylalanine.
Molecular consequence: missense variant.
Genome position (GRCh38, 1-based): chr5:149,042,773, C>G on the plus strand (G>C on the coding strand, the complement: SH3TC2 is on the minus strand). VCF-style: chr5-149042773-C-G. GRCh37 (hg19) VCF-style: chr5-148422336-C-G.
Other names: short protein forms L150F.
Identifiers: ClinVar variation 847175 (VCV000847175.10), dbSNP rs542260900, ClinGen allele CA3499500.

ClinVar aggregate classification (germline): Uncertain significance. Review status: criteria provided, multiple submitters, no conflicts (2 of 4 stars). 3 submissions from 3 submitters: Uncertain significance (3). Last evaluated 2025-01-02.

Conditions:
Charcot-Marie-Tooth disease type 4. Also called: Charcot-Marie-Tooth disease, type IV; Charcot-Marie-Tooth, Type 4. Identifiers: Orphanet 64749, MedGen C4082197, MONDO:0018995.

Allele frequency attached by ClinVar (database versions not stated): gnomAD exomes below 0.00001 and 0.00001; TOPMed 0.00001; ExAC 0.00001; gnomAD 0.00001.
gnomAD v4.1: 9 of 1,614,018 alleles (0.00056%); highest among the groups gnomAD compares: Non-Finnish European, 0.00059%; no homozygotes.

Submissions (3):

GeneDx
Classification: Uncertain significance. Last evaluated: 2025-01-02. Review status: criteria provided, single submitter. Criteria: GeneDx Variant Classification Process June 2021. Collection method: clinical testing. Allele origin: germline. Affected: yes.
Comment: Not observed at significant frequency in large population cohorts (gnomAD); In silico analysis indicates that this missense variant does not alter protein structure/function; Has not been previously published as pathogenic or benign to our knowledge

Women's Health and Genetics/Laboratory Corporation of America, LabCorp
Classification: Uncertain significance. Last evaluated: 2024-11-26. Review status: criteria provided, single submitter. Criteria: LabCorp Variant Classification Summary - May 2015. Collection method: clinical testing. Allele origin: germline.
Comment: Variant summary: SH3TC2 c.450G>C (p.Leu150Phe) results in a non-conservative amino acid change in the encoded protein sequence. Five of five in-silico tools predict a damaging effect of the variant on protein function. The variant allele was found at a frequency of 1.2e-05 in 251470 control chromosomes (gnomAD). The available data on variant occurrences in the general population are insufficient to allow any conclusion about variant significance. To our knowledge, no occurrence of c.450G>C in individuals affected with Charcot-Marie-Tooth disease type 4C and no experimental evidence demonstrating its impact on protein function have been reported. ClinVar contains an entry for this variant (Variation ID: 847175). Based on the evidence outlined above, the variant was classified as uncertain significance.

Labcorp Genetics (formerly Invitae), Labcorp
Classification: Uncertain significance for Charcot-Marie-Tooth disease type 4. Last evaluated: 2021-03-23. Review status: criteria provided, single submitter. Criteria: Invitae Variant Classification Sherloc (09022015). Collection method: clinical testing. Allele origin: germline.
Comment: In summary, the available evidence is currently insufficient to determine the role of this variant in disease. Therefore, it has been classified as a Variant of Uncertain Significance. Algorithms developed to predict the effect of missense changes on protein structure and function are either unavailable or do not agree on the potential impact of this missense change (SIFT: "Deleterious"; PolyPhen-2: "Possibly Damaging"; Align-GVGD: "Class C15"). This variant has not been reported in the literature in individuals with SH3TC2-related conditions. This variant is present in population databases (rs542260900, ExAC 0.001%). This sequence change replaces leucine with phenylalanine at codon 150 of the SH3TC2 protein (p.Leu150Phe). The leucine residue is highly conserved and there is a small physicochemical difference between leucine and phenylalanine.